The following is an entry in ClinVar:

NM_002528.7(NTHL1):c.83C>A (p.Pro28His)

Gene: NTHL1 (nth like DNA glycosylase 1; minus strand). Cytogenetic location: 16p13.3.
Variant type: single nucleotide variant.
Coding change: c.83C>A on transcript NM_002528.7 (MANE Select); coding-DNA position 83, C replaced by A.
Protein change: p.Pro28His; replaces proline 28 with histidine.
Molecular consequence: missense variant. On other transcripts: 5 prime UTR variant (1).
Genome position (GRCh38, 1-based): chr16:2,047,741, G>T on the plus strand (C>A on the coding strand, the complement: NTHL1 is on the minus strand). VCF-style: chr16-2047741-G-T. GRCh37 (hg19) VCF-style: chr16-2097742-G-T.
Other names: c.83C>A, p.Pro28His (NM_001318193.2); c.-96C>A (NM_001318194.2); short protein forms P28H.
Identifiers: ClinVar variation 3645923 (VCV003645923.2).
Genomic context (GRCh38, chr16:2,047,741, plus strand): 5'-CCACGCTCCAGCCACGGCGCGGCGCTACCTGCTGCAGCCTCTCTTCTCCGGAGAGGCCCG[G>T]GCTCCTCCCTACACCCCCGCGGCCCAGCCCCGGGTCCCAGGCTCCGGCTCCGGGTCAGCA-3'
Protein context (NP_002519.2, residues 18-38): GAGPRGCREE[Pro28His]GPLRRREAAA

ClinVar aggregate classification (germline): Uncertain significance (1 of 4 stars; one submission).

gnomAD v4.1: 1 of 1,585,624 alleles (0.000063%); highest among the groups gnomAD compares: Non-Finnish European, 0.000085%; no homozygotes.

Submission:

Labcorp Genetics (formerly Invitae), Labcorp
Classification: Uncertain significance. Last evaluated: 2024-08-13. Review status: criteria provided, single submitter. Criteria: Invitae Variant Classification Sherloc (09022015). Collection method: clinical testing. Allele origin: germline.
Comment: This sequence change replaces proline, which is neutral and non-polar, with histidine, which is basic and polar, at codon 36 of the NTHL1 protein (p.Pro36His). This variant is not present in population databases (gnomAD no frequency). This variant has not been reported in the literature in individuals affected with NTHL1-related conditions. An algorithm developed to predict the effect of missense changes on protein structure and function (PolyPhen-2) suggests that this variant is likely to be tolerated. In summary, the available evidence is currently insufficient to determine the role of this variant in disease. Therefore, it has been classified as a Variant of Uncertain Significance.